The following is an entry in ClinVar:

NM_024675.4(PALB2):c.100C>T (p.Arg34Cys)

Gene: PALB2 (partner and localizer of BRCA2; minus strand). Cytogenetic location: 16p12.2.
Variant type: single nucleotide variant.
Coding change: c.100C>T on transcript NM_024675.4 (MANE Select); coding-DNA position 100, C replaced by T.
Protein change: p.Arg34Cys; replaces arginine 34 with cysteine.
Molecular consequence: missense variant.
Genome position (GRCh38, 1-based): chr16:23,638,078, G>A on the plus strand (C>T on the coding strand, the complement: PALB2 is on the minus strand). VCF-style: chr16-23638078-G-A. GRCh37 (hg19) VCF-style: chr16-23649399-G-A.
Other names: short protein forms R34C.
Identifiers: ClinVar variation 185273 (VCV000185273.46), dbSNP rs373483056, ClinGen allele CA191499.

ClinVar aggregate classification (germline): Conflicting classifications of pathogenicity. Review status: criteria provided, conflicting classifications (1 of 4 stars). 15 submissions from 15 submitters: Uncertain significance (12); Benign (1). 2 of the submissions do not count toward it. Last evaluated 2026-05-29.

Conditions:
Inherited breast cancer and ovarian cancer.
Hereditary cancer-predisposing syndrome. Also called: Tumor predisposition; Neoplastic Syndromes, Hereditary; Hereditary neoplastic syndrome; Hereditary Cancer Syndrome. Identifiers: Orphanet 140162, MedGen C0027672, MeSH D009386, MONDO:0015356.
Familial cancer of breast. Also called: hereditary breast carcinoma; BREAST CANCER, FAMILIAL; Hereditary breast cancer. Identifiers: Orphanet 227535, MedGen C0346153, MONDO:0016419, OMIM 114480. Disease mechanism: loss of function.

Allele frequency attached by ClinVar (database versions not stated): gnomAD exomes 0.00002 and 0.00004; ExAC 0.00003; gnomAD 0.00004 and 0.00005; TOPMed 0.00005; ESP Exome Variant Server 0.00008.
gnomAD v4.1: 61 of 1,613,840 alleles (0.0038%); highest among the groups gnomAD compares: African/African-American, 0.0053%; no homozygotes.

Submissions 1 to 9 of 15:

Women's Health and Genetics/Laboratory Corporation of America, LabCorp
Classification: Uncertain significance. Last evaluated: 2026-05-29. Review status: criteria provided, single submitter. Criteria: LabCorp Variant Classification Summary - May 2015. Collection method: clinical testing. Allele origin: germline.
Comment: Variant summary: PALB2 c.100C>T (p.Arg34Cys) results in a non-conservative amino acid change in the encoded protein sequence. Algorithms developed to predict the effect of missense changes on protein structure and function are either unavailable or do not agree on the potential impact of this missense change. The variant allele was found at a frequency of 1.6e-05 in 251484 control chromosomes (gnomAD). The available data on variant occurrences in the general population are insufficient to allow any conclusion about variant significance. c.100C>T has been observed in individuals affected with breast, ovarian or colorectal cancer without strong evidence of causality (e.g., Yurgelun_2015, Villalona-Calero_2016, Momozawa_2018, Fortuno_2024, Infante_2024, Al Ali_2025, Gomes_2021). These reports do not provide unequivocal conclusions about association of the variant with Hereditary Breast And Ovarian Cancer Syndrome. At least one publication reports experimental evidence evaluating an impact on protein function. These results showed no damaging effect of this variant. The following publications have been ascertained in the context of this evaluation (PMID: 25980754, 26848151, 30287823, 31636395, 39402389, 40257527, 38061684, 33128190). ClinVar contains an entry for this variant (Variation ID: 185273). Based on the evidence outlined above, the variant was classified as uncertain significance.

Labcorp Genetics (formerly Invitae), Labcorp
Classification: Uncertain significance for Familial cancer of breast. Last evaluated: 2025-12-31. Review status: criteria provided, single submitter. Criteria: Invitae Variant Classification Sherloc (09022015). Collection method: clinical testing. Allele origin: germline.
Comment: This sequence change replaces arginine, which is basic and polar, with cysteine, which is neutral and slightly polar, at codon 34 of the PALB2 protein (p.Arg34Cys). This variant is present in population databases (rs373483056, gnomAD 0.004%). This missense change has been observed in individual(s) with breast cancer, pancreatic cancer, acute myeloid leukemia, stomach adenocarcinoma, and suspected Lynch Syndrome (PMID: 25980754, 26483394, 26689913, 26848151, 30287823, 33128190). ClinVar contains an entry for this variant (Variation ID: 185273). An algorithm developed to predict the effect of missense changes on protein structure and function (PolyPhen-2) suggests that this variant is likely to be disruptive. Experimental studies have shown that this missense change does not substantially affect PALB2 function (PMID: 31636395). In summary, the available evidence is currently insufficient to determine the role of this variant in disease. Therefore, it has been classified as a Variant of Uncertain Significance.

Ambry Genetics
Classification: Uncertain significance for Hereditary cancer-predisposing syndrome. Last evaluated: 2025-10-03. Review status: criteria provided, single submitter. Criteria: Ambry Variant Classification Scheme 2023. Collection method: clinical testing. Allele origin: germline.
Comment: The p.R34C variant (also known as c.100C>T), located in coding exon 2 of the PALB2 gene, results from a C to T substitution at nucleotide position 100. The arginine at codon 34 is replaced by cysteine, an amino acid with highly dissimilar properties. In a homology-directed DNA repair (HDR) assay, this alteration was found to be functionally normal (Wiltshire T et al. Genet. Med., 2019 Oct, Boonen et al. Nat. Comms. 2019 Nov). In a PARP inhibitor sensitivity assay, this alteration was found to be functionally normal (Boonen et al. Nat. Comms. 2019 Nov). This variant was reported in both cases and controls from case control studies including breast cancer patients of various ancestries (Dorling et al. N Engl J Med. 2021 02;384:428-439; Momozawa Y et al. Nat Commun, 2018 10;9:4083; Hauke J et al. Cancer Med, 2018 04;7:1349-1358). This alteration has also been reported in patients with leukemia and pancreatic cancer (Lu C et al. Nat Commun. 2015 Dec 22;6:10086; Hu C et al. Cancer Epidemiol Biomarkers Prev, 2016 Jan;25:207-11). This amino acid position is highly conserved in available vertebrate species. In addition, the in silico prediction for this alteration is inconclusive. Since supporting evidence is limited at this time, the clinical significance of this alteration remains unclear.

Molecular Diagnostics Laboratory, Catalan Institute of Oncology
Classification: Uncertain significance for Hereditary cancer-predisposing syndrome. Last evaluated: 2025-03-03. Review status: criteria provided, single submitter. Criteria: ClinGen ACMG Specifications PALB2 V1.0.0. Collection method: clinical testing. Allele origin: germline.
Comment: BP1 c.100C>T, located in exon 2 of the PALB2 gene, is predicted to result in the substitution of Arginine by Cysteine at codon 34, p.(Arg34Cys) (BP1). This variant is found in 61/1613840 alleles at a frequency of 0.003% in the gnomAD v2.1.1 database, non-cancer dataset. The SpliceAI algorithm predicts no significant impact on splicing. To our knowledge, neither relevant clinical data nor well-stablished RNA studies have been reported for this variant. It has been reported in ClinVar (1x B, 12x VUS). Based on the currently available information, c.100C>T is classified as an uncertain significance variant according to ClinGen-PALB2 Guidelines version 1.0.

Color Diagnostics, LLC DBA Color Health
Classification: Uncertain significance for Hereditary cancer-predisposing syndrome. Last evaluated: 2025-02-11. Review status: criteria provided, single submitter. Criteria: ACMG Guidelines, 2015. Collection method: clinical testing. Allele origin: germline.
Comment: This missense variant replaces arginine with cysteine at codon 34 of the PALB2 protein. Computational prediction tool suggests that this variant may not impact protein structure and function. A functional study reported this variant to have normal homology-directed DNA repair activity in PALB2-deficient B400 mouse mammary tumor cells (PMID: 31636395). This variant has been reported in at least six individuals affected with breast cancer (PMID: 26848151, 30287823, 33471991), and one individual each affected with acute myeloid leukemia, stomach adenocarcinoma, pancreatic cancer and colorectal cancer and/or polyps (PMID: 2598075, 26483394, 26689913). This variant also has been reported in at least three healthy individuals including an individual age 70 years or older without cancer in the FLOSSIES database (PMID: 33471991). This variant has been identified in 5/282890 chromosomes in the general population by the Genome Aggregation Database (gnomAD). The available evidence is insufficient to determine the role of this variant in disease conclusively. Therefore, this variant is classified as a Variant of Uncertain Significance.

GeneDx
Classification: Uncertain significance. Last evaluated: 2025-02-07. Review status: criteria provided, single submitter. Criteria: GeneDx Variant Classification Process June 2021. Collection method: clinical testing. Allele origin: germline. Affected: yes.
Comment: Observed in individuals with breast, pancreatic, and other cancers (PMID: 26483394, 25980754, 26689913, 28779002, 29522266, 30287823, 33128190); Published functional study demonstrates homology-directed repair activity similar to wild-type (PMID: 31636395); Not observed at significant frequency in large population cohorts (gnomAD); In silico analysis supports that this missense variant has a deleterious effect on protein structure/function; This variant is associated with the following publications: (PMID: 26689913, 26483394, 25980754, 26848151, 29522266, 30287823, 33128190, 33471991, 28779002, 20871615, 19369211, 31636395)

Blueprint Genetics
Classification: Uncertain significance. Last evaluated: 2024-08-15. Review status: criteria provided, single submitter. Criteria: ACMG Guidelines, 2015. Collection method: clinical testing. Allele origin: germline.

Genomics and Molecular Medicine Service, East Genomic Laboratory Hub, NHS Genomic Medicine Service
Classification: Uncertain significance for Inherited breast cancer and ovarian cancer. Last evaluated: 2024-07-04. Review status: criteria provided, single submitter. Criteria: ACGS Best Practice Guidelines for Variant Classification in Rare Disease 2020. Collection method: clinical testing. Allele origin: germline. Affected: yes.
Comment: BP1

Quest Diagnostics Nichols Institute San Juan Capistrano
Classification: Uncertain significance. Last evaluated: 2024-05-11. Review status: criteria provided, single submitter. Criteria: Quest Diagnostics criteria. Collection method: clinical testing. Allele origin: unknown.
Comment: The PALB2 c.100C>T (p.Arg34Cys) variant has been reported in the published literature in in individuals with breast cancer (PMID: 26848151 (2016), 28779002 (2017), 29522266 (2018), 30287823 (2018)), 33128190 (2021)), pancreatic cancer (PMID: 26483394 (2015)), suspected Lynch syndrome (PMID: 25980754 (2015)), stomach cancer and acute myeloid leukemia (PMID: 26689913 (2015)). The frequency of this variant in the general population, 0.00008 (2/25124 chromosomes (Genome Aggregation Database)), is uninformative in the assessment of its pathogenicity. Analysis of this variant using bioinformatics tools for the prediction of the effect of amino acid changes on protein structure and function yielded conflicting predictions that this variant is benign or damaging. Based on the available information, we are unable to determine the clinical significance of this variant.